The following is an entry in ClinVar:

ClinVar aggregate classification (germline): Conflicting classifications of pathogenicity. Review status: criteria provided, conflicting classifications (1 of 4 stars). 10 submissions from 9 submitters: Uncertain significance (9); Likely benign (1). Last evaluated 2026-02-26.

Conditions:
SYNE1-related disorder. Also called: SYNE1-related disease; SYNE1-related condition; SYNE1-related disorders.
Autosomal recessive ataxia, Beauce type. Also called: SYNE1 Deficiency; ATAXIA, RECESSIVE, OF BEAUCE; SYNE1-Related Autosomal Recessive Cerebellar Ataxia; Spinocerebellar ataxia, autosomal recessive 8. Identifiers: Orphanet 88644, MedGen C1853116, MONDO:0012549, OMIM 610743.
Emery-Dreifuss muscular dystrophy 4, autosomal dominant (EDMD4). Also called: EMERY-DREIFUSS MUSCULAR DYSTROPHY 4 WITH VARIABLE FEATURES. Identifiers: Orphanet 261, MedGen C2751807, MONDO:0013071, OMIM 612998.

Allele frequency attached by ClinVar (database versions not stated): gnomAD exomes 0.00012; TOPMed 0.00012; gnomAD 0.00006 and 0.00007; ESP Exome Variant Server 0.00008; ExAC 0.00012.
gnomAD v4.1: 221 of 1,613,956 alleles (0.014%); highest among the groups gnomAD compares: Non-Finnish European, 0.016%; no homozygotes.

Submissions (10):

GeneDx
Classification: Uncertain significance. Last evaluated: 2026-02-26. Review status: criteria provided, single submitter. Criteria: GeneDx Variant Classification Process June 2021. Collection method: clinical testing. Allele origin: germline.
Comment: In silico analysis suggests that this missense variant does not alter protein structure/function; Has not been previously published as pathogenic or benign to our knowledge

PreventionGenetics, part of Exact Sciences
Classification: Uncertain significance for SYNE1-related condition. Last evaluated: 2025-12-15. Review status: criteria provided, single submitter. Criteria: ACMG Guidelines, 2015. Collection method: clinical testing. Allele origin: germline.
Comment: The SYNE1 c.13639C>A variant is predicted to result in the amino acid substitution p.Leu4547Ile. To our knowledge, this variant has not been reported in the literature. This variant is reported in 0.032% of alleles in individuals of European (Finnish) descent in gnomAD. At this time, the clinical significance of this variant is uncertain due to the absence of conclusive functional and genetic evidence.

Blueprint Genetics
Classification: Uncertain significance. Last evaluated: 2024-11-18. Review status: criteria provided, single submitter. Criteria: ACMG Guidelines, 2015. Collection method: clinical testing. Allele origin: germline.

CeGaT Center for Human Genetics Tuebingen
Classification: Uncertain significance. Last evaluated: 2024-07-01. Review status: criteria provided, single submitter. Criteria: CeGaT Center For Human Genetics Tuebingen Variant Classification Criteria Version 2. Collection method: clinical testing. Allele origin: germline. Affected: yes. Observed: 1 variant allele.
Comment: SYNE1: PM2

Athena Diagnostics
Classification: Uncertain significance. Last evaluated: 2023-12-29. Review status: criteria provided, single submitter. Criteria: Athena Diagnostics Criteria. Collection method: clinical testing. Allele origin: unknown.
Comment: Available data are insufficient to determine the clinical significance of the variant at this time. The frequency of this variant in the general population is uninformative in assessment of its pathogenicity. Computational tools disagree on the variant's effect on normal protein function.

Labcorp Genetics (formerly Invitae), Labcorp
Classification: Uncertain significance for Emery-Dreifuss muscular dystrophy 4, autosomal dominant; Autosomal recessive ataxia, Beauce type. Last evaluated: 2022-06-27. Review status: criteria provided, single submitter. Criteria: Invitae Variant Classification Sherloc (09022015). Collection method: clinical testing. Allele origin: germline.
Comment: This sequence change replaces leucine, which is neutral and non-polar, with isoleucine, which is neutral and non-polar, at codon 4547 of the SYNE1 protein (p.Leu4547Ile). This variant is present in population databases (rs147125369, gnomAD 0.04%). This variant has not been reported in the literature in individuals affected with SYNE1-related conditions. ClinVar contains an entry for this variant (Variation ID: 355873). Algorithms developed to predict the effect of missense changes on protein structure and function are either unavailable or do not agree on the potential impact of this missense change (SIFT: "Deleterious"; PolyPhen-2: "Probably Damaging"; Align-GVGD: "Class C0"). In summary, the available evidence is currently insufficient to determine the role of this variant in disease. Therefore, it has been classified as a Variant of Uncertain Significance.

Revvity Omics, Revvity
Classification: Uncertain significance. Last evaluated: 2020-11-29. Review status: criteria provided, single submitter. Criteria: ACMG Guidelines, 2015. Collection method: clinical testing. Allele origin: germline.

Eurofins Ntd Llc (ga)
Classification: Uncertain significance. Last evaluated: 2018-05-22. Review status: criteria provided, single submitter. Criteria: EGL ClinVar v180209 classification definitions. Collection method: clinical testing. Allele origin: germline. Observed: 1 variant allele, 1 heterozygote.

Illumina Laboratory Services, Illumina
Classification: Likely benign for Emery-Dreifuss muscular dystrophy 4, autosomal dominant. Last evaluated: 2018-01-13. Review status: criteria provided, single submitter. Criteria: ICSL Variant Classification Criteria 13 December 2019. Collection method: clinical testing. Allele origin: germline.
Comment: This variant was observed in the ICSL laboratory as part of a predisposition screen in an ostensibly healthy population. It had not been previously curated by ICSL or reported in the Human Gene Mutation Database (HGMD: prior to June 1st, 2018), and was therefore a candidate for classification through an automated scoring system. Utilizing variant allele frequency, disease prevalence and penetrance estimates, and inheritance mode, an automated score was calculated to assess if this variant is too frequent to cause the disease. Based on the score and internal cut-off values, a variant classified as likely benign is not then subjected to further curation. The score for this variant resulted in a classification of likely benign for this disease.

Illumina Laboratory Services, Illumina
Classification: Uncertain significance for Autosomal recessive ataxia, Beauce type. Last evaluated: 2018-01-13. Review status: criteria provided, single submitter. Criteria: ICSL Variant Classification Criteria 13 December 2019. Collection method: clinical testing. Allele origin: germline.

NM_182961.4(SYNE1):c.13852C>A (p.Leu4618Ile)

Gene: SYNE1 (spectrin repeat containing nuclear envelope protein 1; minus strand). Cytogenetic location: 6q25.2.
Variant type: single nucleotide variant.
Coding change: c.13852C>A on transcript NM_182961.4 (MANE Select); coding-DNA position 13852, C replaced by A.
Protein change: p.Leu4618Ile; replaces leucine 4618 with isoleucine.
Molecular consequence: missense variant.
Genome position (GRCh38, 1-based): chr6:152,330,833, G>T on the plus strand (C>A on the coding strand, the complement: SYNE1 is on the minus strand). VCF-style: chr6-152330833-G-T. GRCh37 (hg19) VCF-style: chr6-152651968-G-T.
Other names: c.13639C>A, p.Leu4547Ile (NM_033071.5); c.13852C>A (NM_182961.2); short protein forms L4547I, L4618I.
Identifiers: ClinVar variation 355873 (VCV000355873.36), dbSNP rs147125369, ClinGen allele CA4056111.